The following is an entry in ClinVar:

ClinVar aggregate classification (germline): Likely benign (1 of 4 stars; one submission).

Conditions:
Autosomal recessive congenital ichthyosis 1 (LI1). Also called: ICHTHYOSIS, CONGENITAL, AUTOSOMAL RECESSIVE 1, WITH BATHING SUIT DISTRIBUTION; ICHTHYOSIS, CONGENITAL, AUTOSOMAL RECESSIVE 1, WITH OR WITHOUT BATHING SUIT DISTRIBUTION; COLLODION FETUS; DESQUAMATION OF NEWBORN; ICHTHYOSIS CONGENITA; ICHTHYOSIS CONGENITA II. Identifiers: MedGen C4551630, MONDO:0009441, OMIM 242300.

Allele frequency attached by ClinVar (database versions not stated): gnomAD 0.00079 and 0.00113; TOPMed 0.00107; gnomAD exomes 0.00243; 1000 Genomes Project 30x 0.00297; 1000 Genomes Project 0.00379.

Submission:

Illumina Laboratory Services, Illumina
Classification: Likely benign for Autosomal recessive congenital ichthyosis 1. Last evaluated: 2018-01-13. Review status: criteria provided, single submitter. Criteria: ICSL Variant Classification Criteria 13 December 2019. Collection method: clinical testing. Allele origin: germline.
Comment: This variant was observed in the ICSL laboratory as part of a predisposition screen in an ostensibly healthy population. It had not been previously curated by ICSL or reported in the Human Gene Mutation Database (HGMD: prior to June 1st, 2018), and was therefore a candidate for classification through an automated scoring system. Utilizing variant allele frequency, disease prevalence and penetrance estimates, and inheritance mode, an automated score was calculated to assess if this variant is too frequent to cause the disease. Based on the score and internal cut-off values, a variant classified as likely benign is not then subjected to further curation. The score for this variant resulted in a classification of likely benign for this disease.

NM_000359.3(TGM1):c.*162C>A

Gene: TGM1 (transglutaminase 1; minus strand). Cytogenetic location: 14q12.
Variant type: single nucleotide variant.
Coding change: c.*162C>A on transcript NM_000359.3 (MANE Select); 162 bases downstream of the stop codon, C replaced by A.
Molecular consequence: 3 prime UTR variant.
Genome position (GRCh38, 1-based): chr14:24,249,151, G>T on the plus strand (C>A on the coding strand, the complement: TGM1 is on the minus strand). VCF-style: chr14-24249151-G-T. GRCh37 (hg19) VCF-style: chr14-24718357-G-T.
Identifiers: ClinVar variation 881032 (VCV000881032.4), dbSNP rs8193035, ClinGen allele CA257887790.